The following is an entry in ClinVar:

ClinVar aggregate classification (germline): Uncertain significance (1 of 4 stars; one submission).

Submission:

GeneDx
Classification: Uncertain significance. Last evaluated: 2024-10-01. Review status: criteria provided, single submitter. Criteria: GeneDx Variant Classification Process June 2021. Collection method: clinical testing. Allele origin: germline. Affected: yes.
Comment: Not observed at significant frequency in large population cohorts (gnomAD); In-frame insertion of 4 amino acid(s) in a non-repeat region; Has not been previously published as pathogenic or benign to our knowledge

NM_000130.5(F5):c.2948_2959dup (p.Thr986_Pro987insArgGluSerThr)

Gene: F5 (coagulation factor V; minus strand). Cytogenetic location: 1q24.2.
Variant type: Duplication.
Coding change: c.2948_2959dup on transcript NM_000130.5 (MANE Select); coding-DNA positions 2948 to 2959, 12 bases duplicated (GAGAAAGCACCC).
Protein change: p.Thr986_Pro987insArgGluSerThr.
Molecular consequence: inframe insertion.
Genome position (GRCh38, 1-based): chr1:169,542,131-169,542,142, GGGTGCTTTCTC duplicated on the plus strand (GAGAAAGCACCC on the coding strand, the reverse complement: F5 is on the minus strand). VCF-style (leftmost placement, unchanged base first): chr1-169542130-G-GGGGTGCTTTCTC. GRCh37 (hg19) VCF-style: chr1-169511368-G-GGGGTGCTTTCTC.
Identifiers: ClinVar variation 3776627 (VCV003776627.1).